The following is an entry in ClinVar:

NM_007352.4(CELA3B):c.91A>C (p.Asn31His)

Gene: CELA3B (chymotrypsin like elastase 3B; plus strand). Cytogenetic location: 1p36.12.
Variant type: single nucleotide variant.
Coding change: c.91A>C on transcript NM_007352.4 (MANE Select); coding-DNA position 91, A replaced by C.
Protein change: p.Asn31His; replaces asparagine 31 with histidine.
Molecular consequence: missense variant.
Genome position (GRCh38, 1-based): chr1:21,978,416, A>C. VCF-style: chr1-21978416-A-C. GRCh37 (hg19) VCF-style: chr1-22304909-A-C.
Other names: short protein forms N31H.
Identifiers: ClinVar variation 2638467 (VCV002638467.24), dbSNP rs138865928, ClinGen allele CA674134.

ClinVar aggregate classification (germline): Likely benign (1 of 4 stars; one submission).

Allele frequency attached by ClinVar (database versions not stated): ExAC 0.00125; gnomAD exomes 0.00196; 1000 Genomes Project 0.00319; gnomAD 0.00443; 1000 Genomes Project 30x 0.00687.
gnomAD v4.1: 3,553 of 1,609,226 alleles (0.22%); highest among the groups gnomAD compares: South Asian, 0.4%; 30 homozygotes.

Submission:

CeGaT Center for Human Genetics Tuebingen
Classification: Likely benign. Last evaluated: 2023-01-01. Review status: criteria provided, single submitter. Criteria: CeGaT Center For Human Genetics Tuebingen Variant Classification Criteria Version 2. Collection method: clinical testing. Allele origin: germline. Affected: yes. Observed: 1 variant allele.
Comment: CELA3B: BS2